The following is an entry in ClinVar:

NC_000016.9:g.(?_78142300)_(78198206_?)del

Gene: WWOX (WW domain containing oxidoreductase; plus strand). Cytogenetic location: 16q23.1.
Variant type: Deletion.
Identifiers: ClinVar variation 3243514 (VCV003243514.1).

ClinVar aggregate classification (germline): Pathogenic (1 of 4 stars; one submission).

Conditions:
Autosomal recessive spinocerebellar ataxia 12. Also called: SPINOCEREBELLAR ATAXIA WITH MENTAL RETARDATION AND EPILEPSY. Identifiers: Orphanet 284282, MedGen C3280452, MONDO:0013687, OMIM 614322.
Developmental and epileptic encephalopathy, 1 (DEE1). Also called: INFANTILE SPASM SYNDROME, X-LINKED 1; X-linked infantile spasms; West's syndrome; Tonic spasms with clustering, arrest of psychomotor development and hypsarrhythmia on EEG; X-Linked Infantile Spasm Syndrome; OHTAHARA SYNDROME, X-LINKED. Identifiers: MedGen C3463992, MONDO:0010632, OMIM 308350. Disease mechanism: loss of function.

Submission:

Labcorp Genetics (formerly Invitae), Labcorp
Classification: Pathogenic for Developmental and epileptic encephalopathy, 1; Autosomal recessive spinocerebellar ataxia 12. Last evaluated: 2023-11-04. Review status: criteria provided, single submitter. Criteria: Invitae Variant Classification Sherloc (09022015). Collection method: clinical testing. Allele origin: unknown.
Comment: This variant is a gross deletion of the genomic region encompassing exon(s) 2-5 of the WWOX gene. This deletion is out-of-frame, and is expected to create a premature termination codon and result in an absent or disrupted protein product. Loss-of-function variants in WWOX are known to be pathogenic (PMID: 24456803, 25411445). This variant has not been reported in the literature in individuals affected with WWOX-related conditions. For these reasons, this variant has been classified as Pathogenic.

Literature cited by the submitters: PubMed 24456803; PubMed 25411445.